The following is an entry in ClinVar:

NM_000182.5(HADHA):c.199G>C (p.Glu67Gln)

Gene: HADHA (hydroxyacyl-CoA dehydrogenase trifunctional multienzyme complex subunit alpha; minus strand). Cytogenetic location: 2p23.3.
Variant type: single nucleotide variant.
Coding change: c.199G>C on transcript NM_000182.5 (MANE Select); coding-DNA position 199, G replaced by C.
Protein change: p.Glu67Gln; replaces glutamic acid 67 with glutamine.
Molecular consequence: missense variant.
Genome position (GRCh38, 1-based): chr2:26,236,970, C>G on the plus strand (G>C on the coding strand, the complement: HADHA is on the minus strand). VCF-style: chr2-26236970-C-G. GRCh37 (hg19) VCF-style: chr2-26459838-C-G.
Other names: short protein forms E67Q.
Identifiers: ClinVar variation 501894 (VCV000501894.13), dbSNP rs781303622, ClinGen allele CA1559938.

ClinVar aggregate classification (germline): Uncertain significance. Review status: criteria provided, multiple submitters, no conflicts (2 of 4 stars). 4 submissions from 4 submitters: Uncertain significance (3). 1 of the submissions does not count toward it. Last evaluated 2025-11-06.

Conditions:
Mitochondrial trifunctional protein deficiency. Identifiers: Orphanet 746, MedGen C1969443, MONDO:0012172.
Long chain 3-hydroxyacyl-CoA dehydrogenase deficiency. Also called: Deficiency of long-chain 3-hydroxyacyl-coenzyme A dehydrogenase; LCHAD Deficiency. Identifiers: Orphanet 5, MedGen C3711645, MONDO:0012173, OMIM 609016.
Inborn genetic diseases. Identifiers: MedGen C0950123, MeSH D030342.

Allele frequency attached by ClinVar (database versions not stated): gnomAD exomes 0.00001 and 0.00002; ExAC 0.00002; TOPMed 0.00004.
gnomAD v4.1: 7 of 1,610,026 alleles (0.00043%); highest among the groups gnomAD compares: Admixed American, 0.01%; no homozygotes.

Submissions (4):

Labcorp Genetics (formerly Invitae), Labcorp
Classification: Uncertain significance for Mitochondrial trifunctional protein deficiency; Long chain 3-hydroxyacyl-CoA dehydrogenase deficiency. Last evaluated: 2025-11-06. Review status: criteria provided, single submitter. Criteria: Invitae Variant Classification Sherloc (09022015). Collection method: clinical testing. Allele origin: germline.
Comment: This sequence change replaces glutamic acid, which is acidic and polar, with glutamine, which is neutral and polar, at codon 67 of the HADHA protein (p.Glu67Gln). This variant is present in population databases (rs781303622, gnomAD 0.01%). This variant has not been reported in the literature in individuals affected with HADHA-related conditions. ClinVar contains an entry for this variant (Variation ID: 501894). Invitae Evidence Modeling of protein sequence and biophysical properties (such as structural, functional, and spatial information, amino acid conservation, physicochemical variation, residue mobility, and thermodynamic stability) indicates that this missense variant is not expected to disrupt HADHA protein function with a negative predictive value of 80%. In summary, the available evidence is currently insufficient to determine the role of this variant in disease. Therefore, it has been classified as a Variant of Uncertain Significance.

Ambry Genetics
Classification: Uncertain significance for Inborn genetic diseases. Last evaluated: 2024-02-02. Review status: criteria provided, single submitter. Criteria: Ambry Variant Classification Scheme 2023. Collection method: clinical testing. Allele origin: germline.

Eurofins Ntd Llc (ga)
Classification: Uncertain significance. Last evaluated: 2017-05-08. Review status: criteria provided, single submitter. Criteria: EGL Classification Definitions 2015. Collection method: clinical testing. Allele origin: germline. Observed: 1 variant allele, 1 heterozygote.

Natera, Inc.
Classification: Uncertain significance for Deficiency of long-chain 3-hydroxyacyl-coenzyme A dehydrogenase. Last evaluated: 2021-02-03. Review status: no assertion criteria provided. Collection method: clinical testing. Allele origin: germline. Not counted in ClinVar's aggregate classification.